The following is an entry in ClinVar:

NM_003628.6(PKP4):c.284T>G (p.Val95Gly)

Gene: PKP4 (plakophilin 4; plus strand). Cytogenetic location: 2q24.1.
Variant type: single nucleotide variant.
Coding change: c.284T>G on transcript NM_003628.6 (MANE Select); coding-DNA position 284, T replaced by G.
Protein change: p.Val95Gly; replaces valine 95 with glycine.
Molecular consequence: missense variant. On other transcripts: 5 prime UTR variant (1).
Genome position (GRCh38, 1-based): chr2:158,620,993, T>G. VCF-style: chr2-158620993-T-G. GRCh37 (hg19) VCF-style: chr2-159477505-T-G.
Other names: c.284T>G, p.Val95Gly (NM_001005476.4, NM_001304969.3, NM_001304971.2 and 9 more transcripts); c.-666T>G (NM_001304970.3); short protein forms V95G.
Identifiers: ClinVar variation 3889683 (VCV003889683.1).

ClinVar aggregate classification (germline): Uncertain significance (1 of 4 stars; one submission).

Submission:

Ambry Genetics
Classification: Uncertain significance. Last evaluated: 2024-12-29. Review status: criteria provided, single submitter. Criteria: Ambry Variant Classification Scheme 2023. Collection method: clinical testing. Allele origin: germline.
Comment: The p.V95G variant (also known as c.284T>G), located in coding exon 4 of the PKP4 gene, results from a T to G substitution at nucleotide position 284. The valine at codon 95 is replaced by glycine, an amino acid with dissimilar properties. This amino acid position is conserved. In addition, the in silico prediction for this alteration is inconclusive. Based on the available evidence, the clinical significance of this variant remains unclear.